The following is an entry in ClinVar:

ClinVar aggregate classification (germline): Uncertain significance (1 of 4 stars; one submission).

Conditions:
Tuberous sclerosis 1 (TSC1). Identifiers: Orphanet 805, MedGen C1854465, MONDO:0008612, OMIM 191100.

Submission:

Labcorp Genetics (formerly Invitae), Labcorp
Classification: Uncertain significance for Tuberous sclerosis 1. Last evaluated: 2021-11-18. Review status: criteria provided, single submitter. Criteria: Invitae Variant Classification Sherloc (09022015). Collection method: clinical testing. Allele origin: germline.
Comment: This variant has not been reported in the literature in individuals affected with TSC1-related conditions. This variant is not present in population databases (gnomAD no frequency). This sequence change replaces proline, which is neutral and non-polar, with threonine, which is neutral and polar, at codon 506 of the TSC1 protein (p.Pro506Thr). In summary, the available evidence is currently insufficient to determine the role of this variant in disease. Therefore, it has been classified as a Variant of Uncertain Significance. Algorithms developed to predict the effect of missense changes on protein structure and function are either unavailable or do not agree on the potential impact of this missense change (SIFT: "Deleterious"; PolyPhen-2: "Probably Damaging"; Align-GVGD: "Class C0").

NM_000368.5(TSC1):c.1516C>A (p.Pro506Thr)

Gene: TSC1 (TSC complex subunit 1; minus strand). Cytogenetic location: 9q34.13.
Variant type: single nucleotide variant.
Coding change: c.1516C>A on transcript NM_000368.5 (MANE Select); coding-DNA position 1516, C replaced by A.
Protein change: p.Pro506Thr; replaces proline 506 with threonine.
Molecular consequence: missense variant.
Genome position (GRCh38, 1-based): chr9:132,906,062, G>T on the plus strand (C>A on the coding strand, the complement: TSC1 is on the minus strand). VCF-style: chr9-132906062-G-T. GRCh37 (hg19) VCF-style: chr9-135781449-G-T.
Other names: c.1513C>A, p.Pro505Thr (NM_001162426.2); c.1363C>A, p.Pro455Thr (NM_001162427.2); c.1153C>A, p.Pro385Thr (NM_001362177.2); short protein forms P455T, P505T, P506T, P385T.
Identifiers: ClinVar variation 1489725 (VCV001489725.6), dbSNP rs2131845533, ClinGen allele CA375365295.